The following is an entry in ClinVar:

ClinVar aggregate classification (germline): Uncertain significance (1 of 4 stars; one submission).

Allele frequency attached by ClinVar (database versions not stated): TOPMed below 0.00001.
gnomAD v4.1: 1 of 1,613,368 alleles (0.000062%); highest among the groups gnomAD compares: South Asian, 0.0011%; no homozygotes.

Submission:

GeneDx
Classification: Uncertain significance. Last evaluated: 2022-10-18. Review status: criteria provided, single submitter. Criteria: GeneDx Variant Classification Process June 2021. Collection method: clinical testing. Allele origin: germline. Affected: yes.
Comment: Not observed at significant frequency in large population cohorts (gnomAD); Canonical splice site variant in a gene or region of a gene for which loss of function is not a well-established mechanism of disease; Has not been previously published as pathogenic or benign to our knowledge; Variants in candidate genes are classified as variants of uncertain significance in accordance with ACMG guidelines (Richards et al., 2015)

NM_032590.5(KDM2B):c.2604+1G>A

Gene: KDM2B (lysine demethylase 2B; minus strand). Cytogenetic location: 12q24.31.
Variant type: single nucleotide variant.
Coding change: c.2604+1G>A on transcript NM_032590.5 (MANE Select); the canonical splice donor site of the intron after coding-DNA position 2604, G replaced by A.
Molecular consequence: splice donor variant.
Genome position (GRCh38, 1-based): chr12:121,442,991, C>T on the plus strand (G>A on the coding strand, the complement: KDM2B is on the minus strand). VCF-style: chr12-121442991-C-T. GRCh37 (hg19) VCF-style: chr12-121880794-C-T.
Other names: c.2397+1G>A (NM_001005366.2).
Identifiers: ClinVar variation 2499698 (VCV002499698.1), dbSNP rs1217859049, ClinGen allele CA386974531.